The following is an entry in ClinVar:

NM_012434.5(SLC17A5):c.1341del (p.Thr448fs)

Gene: SLC17A5 (solute carrier family 17 member 5; minus strand). Cytogenetic location: 6q13.
Variant type: Deletion.
Coding change: c.1341del on transcript NM_012434.5 (MANE Select); coding-DNA position 1341, one base deleted (G; older notation c.1341delG).
Protein change: p.Thr448fs; shifts the reading frame from threonine 448.
Molecular consequence: frameshift variant. On other transcripts: intron variant (1).
Genome position (GRCh38, 1-based): chr6:73,600,360, C deleted on the plus strand (G on the coding strand, the reverse complement: SLC17A5 is on the minus strand). VCF-style (leftmost placement, unchanged base first): chr6-73600359-TC-T. GRCh37 (hg19) VCF-style: chr6-74310082-TC-T.
Other names: c.1110del, p.Thr371fs (NM_001382629.1); c.1362del, p.Thr455fs (NM_001382631.1); c.1254del, p.Thr419fs (NM_001382632.1); c.1341del, p.Thr448fs (NM_001382633.1); c.1182del, p.Thr395fs (NM_001382634.1); c.1338del, p.Thr447fs (NM_001382635.1); c.1023del, p.Thr342fs (NM_001382636.1); c.1260-5146del (NM_001382630.1); short protein forms T342fs, T371fs, T395fs, T419fs, T447fs, T448fs, T455fs.
Identifiers: ClinVar variation 2678766 (VCV002678766.5), dbSNP rs753049782, ClinGen allele CA3890287.

ClinVar aggregate classification (germline): Pathogenic. Review status: criteria provided, multiple submitters, no conflicts (2 of 4 stars). 2 submissions from 2 submitters: Pathogenic (2). Last evaluated 2024-02-17.

Conditions:
Salla disease (SD). Also called: Sialuria, Finnish type; N-acetylneuraminic acid (NANA) storage disease (NSD); Infantile sialic acid storage disorder (ISSD); Less Severe FSASD (Salla Disease). Identifiers: Orphanet 309334, Orphanet 834, MedGen C1096903, MONDO:0011449, OMIM 604369.

Allele frequency attached by ClinVar (database versions not stated): ExAC 0.00001; gnomAD 0.00001; 1000 Genomes Project 30x 0.00031.

Submissions (2):

Labcorp Genetics (formerly Invitae), Labcorp
Classification: Pathogenic for Salla disease. Last evaluated: 2024-02-17. Review status: criteria provided, single submitter. Criteria: Invitae Variant Classification Sherloc (09022015). Collection method: clinical testing. Allele origin: germline.
Comment: This sequence change results in a frameshift in the SLC17A5 gene (p.Thr448Profs*54). While this is not anticipated to result in nonsense mediated decay, it is expected to disrupt the last 48 amino acid(s) of the SLC17A5 protein and extend the protein by 5 additional amino acid residues. This variant is present in population databases (rs753049782, gnomAD 0.006%). This variant has not been reported in the literature in individuals affected with SLC17A5-related conditions. This variant results in an extension of the SLC17A5 protein. Other variant(s) that result in a similarly extended protein product (p.Val453Metfs*50) have been determined to be pathogenic (PMID: 10947946). This suggests that these extensions are likely to be disease-causing. For these reasons, this variant has been classified as Pathogenic.

Baylor Genetics
Classification: Pathogenic for Salla disease. Last evaluated: 2024-02-13. Review status: criteria provided, single submitter. Criteria: ACMG Guidelines, 2015. Collection method: clinical testing. Allele origin: unknown.

Literature cited by the submitters: PubMed 10947946 (cited by Labcorp Genetics (formerly Invitae), Labcorp).